The following is an entry in ClinVar:

NM_015338.6(ASXL1):c.2634T>A (p.Ser878Arg)

Gene: ASXL1 (ASXL transcriptional regulator 1; plus strand). Cytogenetic location: 20q11.21.
Variant type: single nucleotide variant.
Coding change: c.2634T>A on transcript NM_015338.6 (MANE Select); coding-DNA position 2634, T replaced by A.
Protein change: p.Ser878Arg; replaces serine 878 with arginine.
Molecular consequence: missense variant.
Genome position (GRCh38, 1-based): chr20:32,435,346, T>A. VCF-style: chr20-32435346-T-A. GRCh37 (hg19) VCF-style: chr20-31023149-T-A.
Other names: c.2451T>A, p.Ser817Arg (NM_001363734.1); short protein forms S817R, S878R.
Identifiers: ClinVar variation 1935637 (VCV001935637.5), dbSNP rs777174656, ClinGen allele CA9808671.
Genomic context (GRCh38, chr20:32,435,346, plus strand): 5'-GAACAGAGCATTTGATGACGAATTAGGGCTTGGTGGCTCATGCCCTCCTATGAGGGAAAG[T>A]GATACTAGACAAGAAAACTTGAAAACCAAGGCTCTCGTTTCTAACAGTTCTTTGCATTGG-3'
Protein context (NP_056153.2, residues 868-888): LGGSCPPMRE[Ser878Arg]DTRQENLKTK

ClinVar aggregate classification (germline): Uncertain significance (1 of 4 stars; one submission).

Allele frequency attached by ClinVar (database versions not stated): TOPMed 0.00001; ExAC 0.00002; gnomAD 0.00005.

Submission:

Labcorp Genetics (formerly Invitae), Labcorp
Classification: Uncertain significance. Last evaluated: 2025-03-20. Review status: criteria provided, single submitter. Criteria: Invitae Variant Classification Sherloc (09022015). Collection method: clinical testing. Allele origin: germline.
Comment: This sequence change replaces serine, which is neutral and polar, with arginine, which is basic and polar, at codon 878 of the ASXL1 protein (p.Ser878Arg). This variant is present in population databases (rs777174656, gnomAD 0.004%). This variant has not been reported in the literature in individuals affected with ASXL1-related conditions. ClinVar contains an entry for this variant (Variation ID: 1935637). An algorithm developed to predict the effect of missense changes on protein structure and function outputs the following: PolyPhen-2: "Benign". The arginine amino acid residue is found in multiple mammalian species, which suggests that this missense change does not adversely affect protein function. In summary, the available evidence is currently insufficient to determine the role of this variant in disease. Therefore, it has been classified as a Variant of Uncertain Significance.